The following is an entry in ClinVar:

NM_021926.4(ALX4):c.917C>T (p.Pro306Leu)

Gene: ALX4 (ALX homeobox 4; minus strand). Cytogenetic location: 11p11.2.
Variant type: single nucleotide variant.
Coding change: c.917C>T on transcript NM_021926.4 (MANE Select); coding-DNA position 917, C replaced by T.
Protein change: p.Pro306Leu; replaces proline 306 with leucine.
Molecular consequence: missense variant.
Genome position (GRCh38, 1-based): chr11:44,265,173, G>A on the plus strand (C>T on the coding strand, the complement: ALX4 is on the minus strand). VCF-style: chr11-44265173-G-A. GRCh37 (hg19) VCF-style: chr11-44286723-G-A.
Other names: short protein forms P306L.
Identifiers: ClinVar variation 877476 (VCV000877476.7), dbSNP rs149897209, ClinGen allele CA5955575.
Genomic context (GRCh38, chr11:44,265,173, plus strand): 5'-TCGCAGGGGACCACGCAGGCTGGCACTGGTGAGGCAGCCCCGTTGTTGCCGAGCCAGGAC[G>A]GGTTCTGAATCTGGGAGAGGAAGGGAGAGATGTCACCGGCTGGCGGGCAGGTGTGGTGTG-3'
Protein context (NP_068745.2, residues 296-316): RAENYAQIQN[Pro306Leu]SWLGNNGAAS

ClinVar aggregate classification (germline): Conflicting classifications of pathogenicity. Review status: criteria provided, conflicting classifications (1 of 4 stars). 4 submissions from 4 submitters: Uncertain significance (3); Likely benign (1). Last evaluated 2026-01-14.

Conditions:
Parietal foramina 2 (PFM2). Identifiers: Orphanet 60015, MedGen C1865044, MONDO:0012309, OMIM 609597.

Allele frequency attached by ClinVar (database versions not stated): gnomAD exomes 0.00029 and 0.00052; TOPMed 0.00075; gnomAD 0.00038 and 0.00052; ESP Exome Variant Server 0.00063; ExAC 0.00034.
gnomAD v4.1: 815 of 1,603,422 alleles (0.051%); highest among the groups gnomAD compares: Non-Finnish European, 0.061%; 1 homozygote.

Submissions (4):

Labcorp Genetics (formerly Invitae), Labcorp
Classification: Uncertain significance. Last evaluated: 2026-01-14. Review status: criteria provided, single submitter. Criteria: Invitae Variant Classification Sherloc (09022015). Collection method: clinical testing. Allele origin: germline.
Comment: This sequence change replaces proline, which is neutral and non-polar, with leucine, which is neutral and non-polar, at codon 306 of the ALX4 protein (p.Pro306Leu). This variant is present in population databases (rs149897209, gnomAD 0.05%). This missense change has been observed in individual(s) with craniosynostosis (PMID: 22829454). ClinVar contains an entry for this variant (Variation ID: 877476). An algorithm developed to predict the effect of missense changes on protein structure and function (PolyPhen-2) suggests that this variant is likely to be disruptive. Experimental studies are conflicting or provide insufficient evidence to determine the effect of this variant on ALX4 function (PMID: 22829454). In summary, the available evidence is currently insufficient to determine the role of this variant in disease. Therefore, it has been classified as a Variant of Uncertain Significance.

Blueprint Genetics
Classification: Uncertain significance. Last evaluated: 2024-05-30. Review status: criteria provided, single submitter. Criteria: ACMG Guidelines, 2015. Collection method: clinical testing. Allele origin: germline.

GeneDx
Classification: Uncertain significance. Last evaluated: 2019-10-02. Review status: criteria provided, single submitter. Criteria: GeneDx Variant Classification Process June 2021. Collection method: clinical testing. Allele origin: germline. Affected: yes.
Comment: Identified in a patient with non-syndromic craniosynostosis and identified in their unaffected parent (Yagnik et al., 2012); In silico analysis, which includes protein predictors and evolutionary conservation, supports a deleterious effect; Published functional studies demonstrate that the variant does not confer gain-of-function (Yagnik et al., 2012); This variant is associated with the following publications: (PMID: 22829454, 26146596)

Illumina Laboratory Services, Illumina
Classification: Likely benign for Parietal foramina 2. Last evaluated: 2017-04-28. Review status: criteria provided, single submitter. Criteria: ICSL Variant Classification Criteria 13 December 2019. Collection method: clinical testing. Allele origin: germline.
Comment: This variant was observed as part of a predisposition screen in an ostensibly healthy population. A literature search was performed for the gene, cDNA change, and amino acid change (where applicable). Publications were found based on this search. The evidence from the literature, in combination with allele frequency data from public databases where available, was sufficient to determine this variant is unlikely to cause disease. Therefore, this variant is classified as likely benign.

Literature cited by the submitters: PubMed 22829454 (cited by Labcorp Genetics (formerly Invitae), Labcorp and Illumina Laboratory Services, Illumina).